The following is an entry in ClinVar:

ClinVar aggregate classification (germline): Uncertain significance (1 of 4 stars; one submission).

Conditions:
Hereditary cancer-predisposing syndrome. Also called: Neoplastic Syndromes, Hereditary; Tumor predisposition; Hereditary neoplastic syndrome; Hereditary Cancer Syndrome. Identifiers: Orphanet 140162, MedGen C0027672, MeSH D009386, MONDO:0015356.

Submission:

Ambry Genetics
Classification: Uncertain significance for Hereditary cancer-predisposing syndrome. Last evaluated: 2026-07-02. Review status: criteria provided, single submitter. Criteria: Ambry Variant Classification Scheme 2023. Collection method: clinical testing. Allele origin: germline.
Comment: The p.Q956H variant (also known as c.2868G>T), located in coding exon 20 of the TSC1 gene, results from a G to T substitution at nucleotide position 2868. The glutamine at codon 956 is replaced by histidine, an amino acid with highly similar properties. This amino acid position is conserved. In addition, the in silico prediction for this alteration is inconclusive. Based on the available evidence, the clinical significance of this variant remains unclear.

NM_000368.5(TSC1):c.2868G>T (p.Gln956His)

Gene: TSC1 (TSC complex subunit 1; minus strand). Cytogenetic location: 9q34.13.
Variant type: single nucleotide variant.
Coding change: c.2868G>T on transcript NM_000368.5 (MANE Select); coding-DNA position 2868, G replaced by T.
Protein change: p.Gln956His; replaces glutamine 956 with histidine.
Molecular consequence: missense variant. On other transcripts: non-coding transcript variant (5).
Genome position (GRCh38, 1-based): chr9:132,897,291, C>A on the plus strand (G>T on the coding strand, the complement: TSC1 is on the minus strand). VCF-style: chr9-132897291-C-A. GRCh37 (hg19) VCF-style: chr9-135772678-C-A.
Other names: c.2826G>T, p.Gln942His (NM_001406605.1, NM_001406606.1, NM_001406607.1); c.2505G>T, p.Gln835His (NM_001406615.1, NM_001406616.1, NM_001406617.1 and 4 more transcripts); c.2502G>T, p.Gln834His (NM_001406620.1, NM_001406621.1, NM_001406622.1 and 1 more transcripts); c.2463G>T, p.Gln821His (NM_001406624.1); c.2823G>T, p.Gln941His (NM_001406608.1, NM_001406609.1); c.2715G>T, p.Gln905His (NM_001406610.1, NM_001162427.2); c.2712G>T, p.Gln904His (NM_001406611.1, NM_001406612.1); c.2670G>T, p.Gln890His (NM_001406613.1); and 8 more; short protein forms Q605H, Q639H, Q905H, Q941H, Q956H, Q638H, Q820H, Q834H.
Identifiers: ClinVar variation 5031208 (VCV005031208.1).
Genomic context (GRCh38, chr9:132,897,291, plus strand): 5'-TTTCAGGAGGCCATCTTTCTCCAACCTGCCATATAAATCTAAGATCTCCAATTCAAACAC[C>A]TGGGTTATCCTTTTCTGAGCCTCATACCTGCTCTCTGCGGCCTGCAGCTGTCCTCTGAAA-3'
Protein context (NP_000359.1, residues 946-966): SRYEAQKRIT[Gln956His]VFELEILDLY